The following is an entry in ClinVar:

NM_002161.6(IARS1):c.2017G>C (p.Glu673Gln)

Gene: IARS1 (isoleucyl-tRNA synthetase 1; minus strand). Cytogenetic location: 9q22.31.
Variant type: single nucleotide variant.
Coding change: c.2017G>C on transcript NM_002161.6 (MANE Select); coding-DNA position 2017, G replaced by C.
Protein change: p.Glu673Gln; replaces glutamic acid 673 with glutamine.
Molecular consequence: missense variant. On other transcripts: non-coding transcript variant (1).
Genome position (GRCh38, 1-based): chr9:92,256,800, C>G on the plus strand (G>C on the coding strand, the complement: IARS1 is on the minus strand). VCF-style: chr9-92256800-C-G. GRCh37 (hg19) VCF-style: chr9-95019082-C-G.
Other names: c.2017G>C, p.Glu673Gln (NM_001374299.1, NM_001374300.1, NM_001378572.1 and 13 more transcripts); c.1933G>C, p.Glu645Gln (NM_001374301.1); c.2080G>C, p.Glu694Gln (NM_001378569.1); c.2038G>C, p.Glu680Gln (NM_001378571.1); c.1894G>C, p.Glu632Gln (NM_001378583.1); short protein forms E680Q, E632Q, E673Q, E645Q, E694Q.
Identifiers: ClinVar variation 2060729 (VCV002060729.3), dbSNP rs144595445, ClinGen allele CA5122404.

ClinVar aggregate classification (germline): Uncertain significance (1 of 4 stars; one submission).

Allele frequency attached by ClinVar (database versions not stated): gnomAD 0.00011; 1000 Genomes Project 30x 0.00031; ExAC 0.00007; ESP Exome Variant Server 0.00008; TOPMed 0.00008.
gnomAD v4.1: 336 of 1,609,984 alleles (0.021%); highest among the groups gnomAD compares: Non-Finnish European, 0.026%; no homozygotes.

Submissions (3):

Labcorp Genetics (formerly Invitae), Labcorp
Classification: Uncertain significance. Last evaluated: 2022-06-25. Review status: criteria provided, single submitter. Criteria: Invitae Variant Classification Sherloc (09022015). Collection method: clinical testing. Allele origin: germline.
Comment: In summary, the available evidence is currently insufficient to determine the role of this variant in disease. Therefore, it has been classified as a Variant of Uncertain Significance. Algorithms developed to predict the effect of sequence changes on RNA splicing suggest that this variant may create or strengthen a splice site. Algorithms developed to predict the effect of missense changes on protein structure and function (SIFT, PolyPhen-2, Align-GVGD) all suggest that this variant is likely to be tolerated. This variant has not been reported in the literature in individuals affected with IARS-related conditions. This variant is present in population databases (rs144595445, gnomAD 0.02%). This sequence change replaces glutamic acid, which is acidic and polar, with glutamine, which is neutral and polar, at codon 673 of the IARS protein (p.Glu673Gln).

Dr. Peter K. Rogan Lab, Western University
No classification provided (evidence only). Condition: Lung cancer. Review status: no classification provided. Collection method: in vitro. Allele origin: not applicable. Functional consequence: cryptic splice site, retained intron. Not counted in ClinVar's aggregate classification.

Dr. Peter K. Rogan Lab, Western University
No classification provided (evidence only). Condition: Cervical cancer. Review status: no classification provided. Collection method: in vitro. Allele origin: not applicable. Functional consequence: cryptic splice site. Not counted in ClinVar's aggregate classification.